The following is an entry in ClinVar:

ClinVar aggregate classification (germline): Pathogenic. Review status: criteria provided, multiple submitters, no conflicts (2 of 4 stars). 2 submissions from 2 submitters: Pathogenic (2). Last evaluated 2021-06-01.

Conditions:
Pallister-Hall syndrome (PHS). Also called: HYPOTHALAMIC HAMARTOBLASTOMA, HYPOPITUITARISM, IMPERFORATE ANUS, AND POSTAXIAL POLYDACTYLY; GLI3-Related Pallister-Hall Syndrome. Identifiers: Orphanet 672, MedGen C0265220, MONDO:0007804, OMIM 146510.
Greig cephalopolysyndactyly syndrome (GCPS). Also called: POLYSYNDACTYLY WITH PECULIAR SKULL SHAPE; Greig syndrome; GLI3-Related Greig Cephalopolysyndactyly Syndrome. Identifiers: Orphanet 380, MedGen C0265306, MONDO:0008287, OMIM 175700.

Submissions (2):

Institute for Medical Genetics and Human Genetics, Charité - Universitätsmedizin Berlin
Classification: Pathogenic for Greig cephalopolysyndactyly syndrome. Last evaluated: 2021-06-01. Review status: criteria provided, single submitter. Criteria: ACMG Guidelines, 2015. Collection method: research. Allele origin: germline. Inheritance: Autosomal dominant inheritance. Affected: yes. Observed: 1 heterozygote.

Labcorp Genetics (formerly Invitae), Labcorp
Classification: Pathogenic for Pallister-Hall syndrome; Greig cephalopolysyndactyly syndrome. Last evaluated: 2020-12-14. Review status: criteria provided, single submitter. Criteria: Invitae Variant Classification Sherloc (09022015). Collection method: clinical testing. Allele origin: germline.
Comment: This variant has not been reported in the literature in individuals with GLI3-related conditions. This variant disrupts the C-terminus of the GLI3 protein. Other variant(s) that disrupt this region (p. Thr1488Lysfs*23) have been determined to be pathogenic (PMID: 24736735). This suggests that variants that disrupt this region of the protein are likely to be causative of disease. For these reasons, this variant has been classified as Pathogenic. This sequence change creates a premature translational stop signal (p.Gly1391Alafs*28) in the GLI3 gene. While this is not anticipated to result in nonsense mediated decay, it is expected to disrupt the last 190 amino acid(s) of the GLI3 protein. This variant is not present in population databases (ExAC no frequency).

Literature cited by the submitters: PubMed 24736735 (cited by Labcorp Genetics (formerly Invitae), Labcorp).

NM_000168.6(GLI3):c.4172del (p.Gly1391fs)

Gene: GLI3 (GLI family zinc finger 3; minus strand). Cytogenetic location: 7p14.1.
Variant type: Deletion.
Coding change: c.4172del on transcript NM_000168.6 (MANE Select); coding-DNA position 4172, one base deleted (G; older notation c.4172delG).
Protein change: p.Gly1391fs; shifts the reading frame from glycine 1391.
Molecular consequence: frameshift variant.
Genome position (GRCh38, 1-based): chr7:41,964,901, C deleted on the plus strand (G on the coding strand, the reverse complement: GLI3 is on the minus strand); the first of 5 consecutive C bases (chr7:41,964,901-41,964,905); deleting any one gives the same sequence. VCF-style (leftmost placement, unchanged base first): chr7-41964900-GC-G. GRCh37 (hg19) VCF-style: chr7-42004498-GC-G.
Other names: short protein forms G1391fs.
Identifiers: ClinVar variation 1120232 (VCV001120232.10), dbSNP rs2128705042, ClinGen allele CA2499218883.